The following is an entry in ClinVar:

NM_001001557.4(GDF6):c.619G>A (p.Ala207Thr)

Gene: GDF6 (growth differentiation factor 6; minus strand). Cytogenetic location: 8q22.1.
Variant type: single nucleotide variant.
Coding change: c.619G>A on transcript NM_001001557.4 (MANE Select); coding-DNA position 619, G replaced by A.
Protein change: p.Ala207Thr; replaces alanine 207 with threonine.
Molecular consequence: missense variant.
Genome position (GRCh38, 1-based): chr8:96,145,312, C>T on the plus strand (G>A on the coding strand, the complement: GDF6 is on the minus strand). VCF-style: chr8-96145312-C-T. GRCh37 (hg19) VCF-style: chr8-97157540-C-T.
Other names: short protein forms A207T.
Identifiers: ClinVar variation 1413024 (VCV001413024.6), dbSNP rs2130207705, ClinGen allele CA371752224.

ClinVar aggregate classification (germline): Uncertain significance (1 of 4 stars; one submission).

Conditions:
Isolated microphthalmia 4. Identifiers: Orphanet 2542, MedGen C2751307, MONDO:0013130, OMIM 613094.
Klippel-Feil syndrome 1, autosomal dominant (KFS1). Also called: CERVICAL VERTEBRAL FUSION, AUTOSOMAL DOMINANT. Identifiers: Orphanet 2345, MedGen C1861689, MONDO:0007306, OMIM 118100.
Microphthalmia, isolated, with coloboma 6 (MCOPCB6). Also called: MICROPHTHALMIA/COLOBOMA 6; Microphthalmia with coloboma 6, digenic; Microphthalmia with coloboma 6. Identifiers: Orphanet 98938, MedGen C3150968, MONDO:0013376, OMIM 613703.
Leber congenital amaurosis 17 (LCA17). Identifiers: Orphanet 65, MedGen C3715164, MONDO:0014145, OMIM 615360.

Submission:

Labcorp Genetics (formerly Invitae), Labcorp
Classification: Uncertain significance for Isolated microphthalmia 4; Leber congenital amaurosis 17; Klippel-Feil syndrome 1, autosomal dominant; Microphthalmia, isolated, with coloboma 6. Last evaluated: 2021-08-23. Review status: criteria provided, single submitter. Criteria: Invitae Variant Classification Sherloc (09022015). Collection method: clinical testing. Allele origin: germline.
Comment: In summary, the available evidence is currently insufficient to determine the role of this variant in disease. Therefore, it has been classified as a Variant of Uncertain Significance. Algorithms developed to predict the effect of missense changes on protein structure and function output the following: SIFT: "Tolerated"; PolyPhen-2: "Benign"; Align-GVGD: "Class C0". The threonine amino acid residue is found in multiple mammalian species, which suggests that this missense change does not adversely affect protein function. This variant has not been reported in the literature in individuals affected with GDF6-related conditions. The frequency data for this variant in the population databases is considered unreliable, as metrics indicate insufficient coverage at this position in the ExAC database. This sequence change replaces alanine with threonine at codon 207 of the GDF6 protein (p.Ala207Thr). The alanine residue is moderately conserved and there is a small physicochemical difference between alanine and threonine.